The following is an entry in ClinVar:

ClinVar aggregate classification (germline): Likely benign (1 of 4 stars; one submission).

gnomAD v4.1: 6 of 1,568,016 alleles (0.00038%); highest among the groups gnomAD compares: Admixed American, 0.0067%; no homozygotes.

Submission:

CeGaT Center for Human Genetics Tuebingen
Classification: Likely benign. Last evaluated: 2026-06-01. Review status: criteria provided, single submitter. Criteria: CeGaT Center For Human Genetics Tuebingen Variant Classification Criteria Version 2. Collection method: clinical testing. Allele origin: germline. Affected: yes. Observed: 1 variant allele.
Comment: GRIA4: BP4

NM_000829.4(GRIA4):c.2295-5846C>T

Gene: GRIA4 (glutamate ionotropic receptor AMPA type subunit 4; plus strand). Cytogenetic location: 11q22.3.
Variant type: single nucleotide variant.
Coding change: c.2295-5846C>T on transcript NM_000829.4 (MANE Select); 5846 bases into the intron before coding-DNA position 2295, C replaced by T.
Molecular consequence: intron variant.
Genome position (GRCh38, 1-based): chr11:105,966,068, C>T. VCF-style: chr11-105966068-C-T. GRCh37 (hg19) VCF-style: chr11-105836795-C-T.
Other names: c.2409+7C>T (NM_001440383.1, NM_001077243.3, NM_001440382.1 and 3 more transcripts); c.2295-5846C>T (NM_001440386.1, NM_001440392.1, NM_001440393.1 and 1 more transcripts); c.2047-8242C>T (NM_001440395.1, NM_001440396.1); c.2274-5846C>T (NM_001440388.1, NM_001440389.1); c.2388+7C>T (NM_001440390.1); c.1456-8242C>T (NM_001440398.1); c.2202+7C>T (NM_001440394.1); c.1159-8242C>T (NM_001440399.1).
Identifiers: ClinVar variation 4873981 (VCV004873981.2).